The following is an entry in ClinVar:

NM_006736.6(DNAJB2):c.43T>C (p.Ser15Pro)

Gene: DNAJB2 (DnaJ heat shock protein family (Hsp40) member B2; plus strand). Cytogenetic location: 2q35.
Variant type: single nucleotide variant.
Coding change: c.43T>C on transcript NM_006736.6 (MANE Select); coding-DNA position 43, T replaced by C.
Protein change: p.Ser15Pro; replaces serine 15 with proline.
Molecular consequence: missense variant.
Genome position (GRCh38, 1-based): chr2:219,279,876, T>C. VCF-style: chr2-219279876-T-C. GRCh37 (hg19) VCF-style: chr2-220144598-T-C.
Other names: c.43T>C, p.Ser15Pro (NM_001039550.2); short protein forms S15P.
Identifiers: ClinVar variation 835252 (VCV000835252.1), dbSNP rs1223035732, ClinGen allele CA350646084.

ClinVar aggregate classification (germline): Uncertain significance (1 of 4 stars; one submission).

Conditions:
Neuronopathy, distal hereditary motor, autosomal recessive 5. Also called: Young adult-onset distal hereditary motor neuropathy; NEUROPATHY, DISTAL HEREDITARY MOTOR, AUTOSOMAL RECESSIVE 5; Spinal muscular atrophy, distal, autosomal recessive, 5. Identifiers: Orphanet 314485, Orphanet 443950, MedGen C4749918, MONDO:0013947, OMIM 614881.

Allele frequency attached by ClinVar (database versions not stated): gnomAD exomes below 0.00001.
gnomAD v4.1: 2 of 1,613,720 alleles (0.00012%); highest among the groups gnomAD compares: Non-Finnish European, 0.00017%; no homozygotes.

Submission:

Labcorp Genetics (formerly Invitae), Labcorp
Classification: Uncertain significance for Spinal muscular atrophy, distal, autosomal recessive, 5. Last evaluated: 2019-11-26. Review status: criteria provided, single submitter. Criteria: Invitae Variant Classification Sherloc (09022015). Collection method: clinical testing. Allele origin: germline.
Comment: This sequence change replaces serine with proline at codon 15 of the DNAJB2 protein (p.Ser15Pro). The serine residue is moderately conserved and there is a moderate physicochemical difference between serine and proline. This variant is not present in population databases (ExAC no frequency). This variant has not been reported in the literature in individuals with DNAJB2-related conditions. Algorithms developed to predict the effect of missense changes on protein structure and function (SIFT, PolyPhen-2, Align-GVGD) all suggest that this variant is likely to be tolerated, but these predictions have not been confirmed by published functional studies and their clinical significance is uncertain. In summary, the available evidence is currently insufficient to determine the role of this variant in disease. Therefore, it has been classified as a Variant of Uncertain Significance.